The following is an entry in ClinVar:

NM_000038.6(APC):c.5876C>G (p.Thr1959Ser)

Gene: APC (APC regulator of Wnt signaling pathway; plus strand). Cytogenetic location: 5q22.2.
Variant type: single nucleotide variant.
Coding change: c.5876C>G on transcript NM_000038.6 (MANE Select); coding-DNA position 5876, C replaced by G.
Protein change: p.Thr1959Ser; replaces threonine 1959 with serine.
Molecular consequence: missense variant.
Genome position (GRCh38, 1-based): chr5:112,841,470, C>G. VCF-style: chr5-112841470-C-G. GRCh37 (hg19) VCF-style: chr5-112177167-C-G.
Other names: c.5876C>G, p.Thr1959Ser (NM_001127510.3, NM_001354895.2); c.5822C>G, p.Thr1941Ser (NM_001127511.3); c.5930C>G, p.Thr1977Ser (NM_001354896.2); c.5906C>G, p.Thr1969Ser (NM_001354897.2); c.5801C>G, p.Thr1934Ser (NM_001354898.2); c.5792C>G, p.Thr1931Ser (NM_001354899.2); c.5753C>G, p.Thr1918Ser (NM_001354900.2); c.5699C>G, p.Thr1900Ser (NM_001354901.2); and 5 more; short protein forms T1941S, T1959S, T1858S, T1868S, T1934S, T1799S, T1900S, T1977S.
Identifiers: ClinVar variation 411465 (VCV000411465.10), dbSNP rs1060503320, ClinGen allele CA16034190.
Genomic context (GRCh38, chr5:112,841,470, plus strand): 5'-ACATACCAGACAGAGGGGCAGCAACTGATGAAAAGTTACAGAATTTTGCTATTGAAAATA[C>G]TCCGGTTTGCTTTTCTCATAATTCCTCTCTGAGTTCTCTCAGTGACATTGACCAAGAAAA-3'
Protein context (NP_000029.2, residues 1949-1969): EKLQNFAIEN[Thr1959Ser]PVCFSHNSSL

ClinVar aggregate classification (germline): Uncertain significance (1 of 4 stars; one submission).

Conditions:
Familial adenomatous polyposis 1 (FAP1). Also called: FAMILIAL ADENOMATOUS POLYPOSIS 1, ATTENUATED; POLYPOSIS, ADENOMATOUS INTESTINAL. Identifiers: MedGen C2713442, MONDO:0021056, OMIM 175100. Disease mechanism: loss of function.

Allele frequency attached by ClinVar (database versions not stated): gnomAD 0.00001.
gnomAD v4.1: 2 of 1,613,584 alleles (0.00012%); highest among the groups gnomAD compares: African/African-American, 0.0027%; no homozygotes.

Submission:

Labcorp Genetics (formerly Invitae), Labcorp
Classification: Uncertain significance for Familial adenomatous polyposis 1. Last evaluated: 2025-07-08. Review status: criteria provided, single submitter. Criteria: Invitae Variant Classification Sherloc (09022015). Collection method: clinical testing. Allele origin: germline.
Comment: This sequence change replaces threonine, which is neutral and polar, with serine, which is neutral and polar, at codon 1959 of the APC protein (p.Thr1959Ser). This variant is present in population databases (no rsID available, gnomAD 0.01%). This variant has not been reported in the literature in individuals affected with APC-related conditions. ClinVar contains an entry for this variant (Variation ID: 411465). Invitae Evidence Modeling of protein sequence and biophysical properties (such as structural, functional, and spatial information, amino acid conservation, physicochemical variation, residue mobility, and thermodynamic stability) indicates that this missense variant is not expected to disrupt APC protein function with a negative predictive value of 95%. In summary, the available evidence is currently insufficient to determine the role of this variant in disease. Therefore, it has been classified as a Variant of Uncertain Significance.